The following is an entry in ClinVar:

ClinVar aggregate classification (germline): Uncertain significance (1 of 4 stars; one submission).

Conditions:
KBG syndrome (KBGS). Also called: ANKRD11-Related KBG Syndrome. Identifiers: Orphanet 2332, MedGen C0220687, MONDO:0007846, OMIM 148050.

gnomAD v4.1: 4 of 1,614,156 alleles (0.00025%); highest among the groups gnomAD compares: Non-Finnish European, 0.00034%; no homozygotes.

Submission:

Labcorp Genetics (formerly Invitae), Labcorp
Classification: Uncertain significance for KBG syndrome. Last evaluated: 2025-02-10. Review status: criteria provided, single submitter. Criteria: Invitae Variant Classification Sherloc (09022015). Collection method: clinical testing. Allele origin: germline.
Comment: This sequence change replaces leucine, which is neutral and non-polar, with valine, which is neutral and non-polar, at codon 1620 of the ANKRD11 protein (p.Leu1620Val). This variant is present in population databases (no rsID available, gnomAD 0.0009%). This variant has not been reported in the literature in individuals affected with ANKRD11-related conditions. ClinVar contains an entry for this variant (Variation ID: 2975266). Invitae Evidence Modeling of protein sequence and biophysical properties (such as structural, functional, and spatial information, amino acid conservation, physicochemical variation, residue mobility, and thermodynamic stability) indicates that this missense variant is not expected to disrupt ANKRD11 protein function with a negative predictive value of 95%. In summary, the available evidence is currently insufficient to determine the role of this variant in disease. Therefore, it has been classified as a Variant of Uncertain Significance.

NM_013275.6(ANKRD11):c.4858C>G (p.Leu1620Val)

Gene: ANKRD11 (ankyrin repeat domain 11; minus strand). Cytogenetic location: 16q24.3.
Variant type: single nucleotide variant.
Coding change: c.4858C>G on transcript NM_013275.6 (MANE Select); coding-DNA position 4858, C replaced by G.
Protein change: p.Leu1620Val; replaces leucine 1620 with valine.
Molecular consequence: missense variant.
Genome position (GRCh38, 1-based): chr16:89,281,684, G>C on the plus strand (C>G on the coding strand, the complement: ANKRD11 is on the minus strand). VCF-style: chr16-89281684-G-C. GRCh37 (hg19) VCF-style: chr16-89348092-G-C.
Other names: c.4858C>G, p.Leu1620Val (NM_001256182.2, NM_001256183.2); short protein forms L1620V.
Identifiers: ClinVar variation 2975266 (VCV002975266.3), dbSNP rs760243743, ClinGen allele CA397156636.